The following is an entry in ClinVar:

ClinVar aggregate classification (germline): Pathogenic/Likely pathogenic. Review status: criteria provided, multiple submitters, no conflicts (2 of 4 stars). 5 submissions from 5 submitters: Pathogenic (3); Likely pathogenic (2). Last evaluated 2024-05-08.

Conditions:
Fanconi anemia (FA). Also called: Fanconi's anemia. Identifiers: Orphanet 84, MedGen C0015625, MeSH D005199, MONDO:0019391.
Hereditary cancer-predisposing syndrome. Also called: Hereditary neoplastic syndrome; Neoplastic Syndromes, Hereditary; Hereditary Cancer Syndrome; Tumor predisposition. Identifiers: Orphanet 140162, MedGen C0027672, MeSH D009386, MONDO:0015356.
Fanconi anemia complementation group C (FANCC). Also called: FANCC-Related Fanconi Anemia; FANCONI PANCYTOPENIA, TYPE 3; FACC; Fanconi anemia, group C. Identifiers: Orphanet 84, MedGen C3468041, MONDO:0009213, OMIM 227645.

Submissions (5):

Myriad Genetics, Inc.
Classification: Pathogenic for Fanconi anemia complementation group C. Last evaluated: 2024-05-08. Review status: criteria provided, single submitter. Criteria: Myriad Autosomal Dominant, Autosomal Recessive and X-Linked Classification Criteria (2023). Collection method: clinical testing. Allele origin: unknown.
Comment: NM_000136.2(FANCC):c.595delC(L199Wfs*25) is expected to be pathogenic in the context of Fanconi anemia, FANCC-related. This variant is predicted to lead to an abnormal or absent protein product due to the creation of a premature termination codon in FANCC, a gene where loss-of-function variants are known to be pathogenic. Please note: this variant was assessed in the context of healthy population screening.

Ambry Genetics
Classification: Pathogenic for Hereditary cancer-predisposing syndrome. Last evaluated: 2022-02-08. Review status: criteria provided, single submitter. Criteria: Ambry Variant Classification Scheme 2023. Collection method: clinical testing. Allele origin: germline.
Comment: The c.595delC pathogenic mutation, located in coding exon 6 of the FANCC gene, results from a deletion of one nucleotide at nucleotide position 595, causing a translational frameshift with a predicted alternate stop codon (p.L199Wfs*25). This variant is considered to be rare based on population cohorts in the Genome Aggregation Database (gnomAD). This alteration is expected to result in loss of function by premature protein truncation or nonsense-mediated mRNA decay. As such, this alteration is interpreted as a disease-causing mutation.

Labcorp Genetics (formerly Invitae), Labcorp
Classification: Pathogenic for Fanconi anemia. Last evaluated: 2021-12-11. Review status: criteria provided, single submitter. Criteria: Invitae Variant Classification Sherloc (09022015). Collection method: clinical testing. Allele origin: germline.
Comment: This variant is not present in population databases (gnomAD no frequency). This variant has not been reported in the literature in individuals affected with FANCC-related conditions. ClinVar contains an entry for this variant (Variation ID: 422895). For these reasons, this variant has been classified as Pathogenic. This sequence change creates a premature translational stop signal (p.Leu199Trpfs*25) in the FANCC gene. It is expected to result in an absent or disrupted protein product. Loss-of-function variants in FANCC are known to be pathogenic (PMID: 17924555).

GeneDx
Classification: Likely pathogenic. Last evaluated: 2016-12-15. Review status: criteria provided, single submitter. Criteria: GeneDx Variant Classification (06012015). Collection method: clinical testing. Allele origin: germline. Affected: yes.
Comment: This deletion of one nucleotide in FANCC is denoted c.595delC at the cDNA level and p.Leu199TrpfsX25 (L199WfsX25) at the protein level. The normal sequence, with the base that is deleted in brackets, is ACCCC[delC]TGGT. The deletion causes a frameshift which changes a Leucine to a Tryptophan at codon 199, and creates a premature stop codon at position 25 of the new reading frame. Although this variant has not, to our knowledge, been reported in the literature, it is predicted to cause loss of normal protein function through either protein truncation or nonsense-mediated mRNA decay. Based on the currently available information, we consider this deletion to be a likely pathogenic variant.

Juno Genomics, Hangzhou Juno Genomics, Inc
Classification: Likely pathogenic for Fanconi anemia complementation group C. Review status: criteria provided, single submitter. Criteria: ACMG Guidelines, 2015. Collection method: clinical testing. Allele origin: germline.
Comment: Null variant in a gene where loss of function (LOF) is a known mechanism of disease.;Absent from controls (or at extremely low frequency if recessive) in Genome Aggregation Database.

Literature cited by the submitters: PubMed 17924555 (cited by Labcorp Genetics (formerly Invitae), Labcorp).

NM_000136.3(FANCC):c.595del (p.Leu199fs)

Genes: AOPEP (aminopeptidase O (putative); plus strand), FANCC (FA complementation group C; minus strand). Cytogenetic location: 9q22.32.
Variant type: Deletion.
Coding change: c.595del on transcript NM_000136.3 (MANE Select); coding-DNA position 595, one base deleted (C; older notation c.595delC).
Protein change: p.Leu199fs; shifts the reading frame from leucine 199.
Molecular consequence: frameshift variant.
Genome position (GRCh38, 1-based): chr9:95,150,014, G deleted on the plus strand (C on the coding strand, the reverse complement: FANCC is on the minus strand); the first of 5 consecutive G bases (chr9:95,150,014-95,150,018); deleting any one gives the same sequence. VCF-style (leftmost placement, unchanged base first): chr9-95150013-AG-A. GRCh37 (hg19) VCF-style: chr9-97912295-AG-A.
Other names: c.595del, p.Leu199fs (NM_001243743.2, NM_001243744.2); short protein forms L199fs.
Identifiers: ClinVar variation 422895 (VCV000422895.12), dbSNP rs1057519366, ClinGen allele CA16618886.